The following is an entry in ClinVar:

NM_001170629.2(CHD8):c.3095G>T (p.Arg1032Ile)

Gene: CHD8 (chromodomain helicase DNA binding protein 8; minus strand). Cytogenetic location: 14q11.2.
Variant type: single nucleotide variant.
Coding change: c.3095G>T on transcript NM_001170629.2 (MANE Select); coding-DNA position 3095, G replaced by T.
Protein change: p.Arg1032Ile; replaces arginine 1032 with isoleucine.
Molecular consequence: missense variant.
Genome position (GRCh38, 1-based): chr14:21,405,421, C>A on the plus strand (G>T on the coding strand, the complement: CHD8 is on the minus strand). VCF-style: chr14-21405421-C-A. GRCh37 (hg19) VCF-style: chr14-21873580-C-A.
Other names: c.2258G>T, p.Arg753Ile (NM_020920.4); short protein forms R1032I, R753I.
Identifiers: ClinVar variation 4846995 (VCV004846995.1).

ClinVar aggregate classification (germline): Uncertain significance (1 of 4 stars; one submission).

Conditions:
Intellectual developmental disorder with autism and macrocephaly. Also called: Autism, susceptibility to, 18; CHD8-Related Neurodevelopmental Disorder with Overgrowth. Identifiers: Orphanet 642675, MedGen C3554373, MONDO:0014017, OMIM 615032.

Submission:

Laboratorio de Genetica e Diagnostico Molecular, Hospital Israelita Albert Einstein
Classification: Uncertain significance for Intellectual developmental disorder with autism and macrocephaly. Last evaluated: 2025-12-15. Review status: criteria provided, single submitter. Criteria: ACMG Guidelines, 2015. Collection method: clinical testing. Allele origin: germline. Affected: yes.
Comment: ACMG classification criteria: PM2 supporting, PP2 supporting, PP3 supporting